The following is an entry in ClinVar:

NM_016373.4(WWOX):c.716T>G (p.Leu239Arg)

Gene: WWOX (WW domain containing oxidoreductase; plus strand). Cytogenetic location: 16q23.1.
Variant type: single nucleotide variant.
Coding change: c.716T>G on transcript NM_016373.4 (MANE Select); coding-DNA position 716, T replaced by G.
Protein change: p.Leu239Arg; replaces leucine 239 with arginine.
Molecular consequence: missense variant.
Genome position (GRCh38, 1-based): chr16:78,424,980, T>G. VCF-style: chr16-78424980-T-G. GRCh37 (hg19) VCF-style: chr16-78458877-T-G.
Other names: c.377T>G, p.Leu126Arg (NM_001291997.2); short protein forms L239R, L126R.
Identifiers: ClinVar variation 871669 (VCV000871669.45), dbSNP rs2083042603, ClinGen allele CA396842878.

ClinVar aggregate classification (germline): Conflicting classifications of pathogenicity. Review status: criteria provided, conflicting classifications (1 of 4 stars). 4 submissions from 4 submitters: Pathogenic (2); Likely pathogenic (1); Uncertain significance (1). Last evaluated 2025-03-04.

Conditions:
Developmental and epileptic encephalopathy, 28 (DEE28). Also called: Epileptic encephalopathy, early infantile, 28. Identifiers: Orphanet 442835, MedGen C4015519, MONDO:0014533, OMIM 616211.

Submissions (4):

3billion
Classification: Likely pathogenic for Developmental and epileptic encephalopathy, 28. Last evaluated: 2025-03-04. Review status: criteria provided, single submitter. Criteria: ACMG Guidelines, 2015. Collection method: clinical testing. Allele origin: germline. Affected: yes.
Comment: The variant is not observed in the gnomAD v4.1.0 dataset. Predicted Consequence/Location: Missense variant. The majority of the known disease-causing variants of this gene are variants expected to result in premature termination of the protein. In silico tool predictions suggest damaging effect of the variant on gene or gene product [REVEL: 0.96 (>=0.6, sensitivity 0.68 and specificity 0.92)]. The same nucleotide change resulting in the same amino acid change has been previously reported as pathogenic/likely pathogenic with strong evidence (ClinVar ID: VCV000871669 /PMID: 30094525). Therefore, this variant is classified as Likely pathogenic according to the recommendation of ACMG/AMP guideline.

Institute of Human Genetics, University of Leipzig Medical Center
Classification: Uncertain significance for Developmental and epileptic encephalopathy, 28. Last evaluated: 2023-06-21. Review status: criteria provided, single submitter. Criteria: ACMG Guidelines, 2015. Collection method: clinical testing. Allele origin: unknown. Inheritance: Autosomal recessive inheritance. Affected: yes.
Comment: Criteria applied: PM3,PM2_SUP,PP3

Institute of Medical Genetics and Applied Genomics, University Hospital Tübingen
Classification: Pathogenic. Last evaluated: 2020-10-23. Review status: criteria provided, single submitter. Criteria: ACMG Guidelines, 2015. Collection method: clinical testing. Allele origin: germline. Inheritance: Autosomal recessive inheritance. Affected: yes.

CeGaT Center for Human Genetics Tuebingen
Classification: Pathogenic. Last evaluated: 2019-10-01. Review status: criteria provided, single submitter. Criteria: CeGaT Center For Human Genetics Tuebingen Variant Classification Criteria Version 2. Collection method: clinical testing. Allele origin: germline. Affected: yes. Observed: 5 variant alleles.

Literature cited by the submitters: PubMed 30094525 (cited by 3billion).